The following is an entry in ClinVar:

ClinVar aggregate classification (germline): Pathogenic (1 of 4 stars; one submission).

Conditions:
Neurofibromatosis, type 1 (NF1). Also called: Peripheral type neurofibromatosis; VON RECKLINGHAUSEN DISEASE; Neurofibromatosis, type I; NEUROFIBROMATOSIS, TYPE I, SOMATIC. Identifiers: Orphanet 636, MedGen C0027831, MONDO:0018975, OMIM 162200. Disease mechanism: loss of function.

Submission:

Labcorp Genetics (formerly Invitae), Labcorp
Classification: Pathogenic for Neurofibromatosis, type 1. Last evaluated: 2019-12-27. Review status: criteria provided, single submitter. Criteria: Invitae Variant Classification Sherloc (09022015). Collection method: clinical testing. Allele origin: germline.
Comment: For these reasons, this variant has been classified as Pathogenic. This sequence change creates a premature translational stop signal (p.Ser368Argfs*11) in the NF1 gene. It is expected to result in an absent or disrupted protein product. This variant is not present in population databases (ExAC no frequency). This variant has not been reported in the literature in individuals with NF1-related conditions. Algorithms developed to predict the effect of sequence changes on RNA splicing suggest that this variant may create or strengthen a splice site, but this prediction has not been confirmed by published transcriptional studies. Loss-of-function variants in NF1 are known to be pathogenic (PMID: 10712197, 23913538).

Literature cited by the submitters: PubMed 10712197; PubMed 23913538.

NM_001042492.3(NF1):c.1103dup (p.Ser368fs)

Gene: NF1 (neurofibromin 1; plus strand). Cytogenetic location: 17q11.2.
Variant type: Duplication.
Coding change: c.1103dup on transcript NM_001042492.3 (MANE Select); coding-DNA position 1103, one base duplicated (G; older notation c.1103dupG).
Protein change: p.Ser368fs; shifts the reading frame from serine 368.
Molecular consequence: frameshift variant.
Genome position (GRCh38, 1-based): chr17:31,201,077, G duplicated. VCF-style (leftmost placement, unchanged base first): chr17-31201076-A-AG. GRCh37 (hg19) VCF-style: chr17-29528094-A-AG.
Other names: c.1103dup, p.Ser368Argfs (NM_000267.4); c.1103dup, p.Ser368fs (NM_001128147.3); short protein forms S368fs.
Identifiers: ClinVar variation 841815 (VCV000841815.7), dbSNP rs2066519656, ClinGen allele CA916080593.